The following is an entry in ClinVar:

NM_001876.4(CPT1A):c.-70CGC[8]

Genes: CPT1A (carnitine palmitoyltransferase 1A; minus strand), LOC130006268 (ATAC-STARR-seq lymphoblastoid silent region 3684; plus strand). Cytogenetic location: 11q13.3.
Variant type: Microsatellite.
Coding change: c.-70CGC[8] on transcript NM_001876.4 (MANE Select); eight copies in a row of the 3-base unit CGC starting at c.-70; the reference has seven copies in a row; one copy, 3 bases duplicated.
Molecular consequence: 5 prime UTR variant.
Genome position (GRCh38, 1-based): chr11:68,841,811-68,841,813, GCG duplicated on the plus strand (CGC on the coding strand, the reverse complement: CPT1A is on the minus strand); duplicating any 3 consecutive bases within chr11:68,841,811-68,841,832 gives the same sequence; the position shown is the placement nearest the transcript's 3' end. VCF-style (leftmost placement, unchanged base first): chr11-68841810-A-AGCG. GRCh37 (hg19) VCF-style: chr11-68609278-A-AGCG.
Other names: c.-70CGC[8] (NM_001031847.3).
Identifiers: ClinVar variation 420475 (VCV000420475.1), dbSNP rs891856679, ClinGen allele CA16619396.
Genomic context (GRCh38, chr11:68,841,810, plus strand): 5'-CCCACCGCGGGCGACCGGGCCTCACCGAGTCAGCTACGGAGGTGCGGCAGCGGCAGCGGC[A>AGCG]GCGGCGGCGGCGGCGGCGGCGGTGGAGTGAACGAGCGGCGAGCGGGAGCCGGGGAAGGAG-3'

ClinVar aggregate classification (germline): Likely benign (1 of 4 stars; one submission).

Submission:

GeneDx
Classification: Likely benign. Last evaluated: 2016-08-05. Review status: criteria provided, single submitter. Criteria: GeneDx Variant Classification (06012015). Collection method: clinical testing. Allele origin: germline. Affected: yes.
Comment: This variant is considered likely benign or benign based on one or more of the following criteria: it is a conservative change, it occurs at a poorly conserved position in the protein, it is predicted to be benign by multiple in silico algorithms, and/or has population frequency not consistent with disease.